The following is an entry in ClinVar:

ClinVar aggregate classification (germline): Uncertain significance (1 of 4 stars; one submission).

Submission:

Labcorp Genetics (formerly Invitae), Labcorp
Classification: Uncertain significance. Last evaluated: 2023-04-24. Review status: criteria provided, single submitter. Criteria: Invitae Variant Classification Sherloc (09022015). Collection method: clinical testing. Allele origin: germline.
Comment: This variant has not been reported in the literature in individuals affected with PDE4D-related conditions. Advanced modeling of protein sequence and biophysical properties (such as structural, functional, and spatial information, amino acid conservation, physicochemical variation, residue mobility, and thermodynamic stability) performed at Invitae indicates that this missense variant is expected to disrupt PDE4D protein function. In summary, the available evidence is currently insufficient to determine the role of this variant in disease. Therefore, it has been classified as a Variant of Uncertain Significance. This variant is not present in population databases (gnomAD no frequency). This sequence change replaces threonine, which is neutral and polar, with lysine, which is basic and polar, at codon 635 of the PDE4D protein (p.Thr635Lys).

NM_001104631.2(PDE4D):c.1904C>A (p.Thr635Lys)

Gene: PDE4D (phosphodiesterase 4D; minus strand). Cytogenetic location: 5q11.2.
Variant type: single nucleotide variant.
Coding change: c.1904C>A on transcript NM_001104631.2 (MANE Select); coding-DNA position 1904, C replaced by A.
Protein change: p.Thr635Lys; replaces threonine 635 with lysine.
Molecular consequence: missense variant.
Genome position (GRCh38, 1-based): chr5:58,975,766, G>T on the plus strand (C>A on the coding strand, the complement: PDE4D is on the minus strand). VCF-style: chr5-58975766-G-T. GRCh37 (hg19) VCF-style: chr5-58271593-G-T.
Other names: c.1721C>A, p.Thr574Lys (NM_001165899.2, NM_001364599.1); c.1712C>A, p.Thr571Lys (NM_001197218.2); c.1538C>A, p.Thr513Lys (NM_001197219.2); c.1514C>A, p.Thr505Lys (NM_001197220.2); c.998C>A, p.Thr333Lys (NM_001197221.2, NM_001364603.1); c.1232C>A, p.Thr411Lys (NM_001197222.2); c.1031C>A, p.Thr344Lys (NM_001197223.2); c.1691C>A, p.Thr564Lys (NM_001349241.2); and 3 more; short protein forms T333K, T344K, T505K, T513K, T564K, T574K, T379K, T411K.
Identifiers: ClinVar variation 2815284 (VCV002815284.3), dbSNP rs926391290, ClinGen allele CA359814126.